The following is an entry in ClinVar:

NM_012335.4(MYO1F):c.1269+6C>T

Gene: MYO1F (myosin IF; minus strand). Cytogenetic location: 19p13.2.
Variant type: single nucleotide variant.
Coding change: c.1269+6C>T on transcript NM_012335.4 (MANE Select); 6 bases into the intron after coding-DNA position 1269, C replaced by T.
Molecular consequence: intron variant.
Genome position (GRCh38, 1-based): chr19:8,548,030, G>A on the plus strand (C>T on the coding strand, the complement: MYO1F is on the minus strand). VCF-style: chr19-8548030-G-A. GRCh37 (hg19) VCF-style: chr19-8612914-G-A.
Other names: c.1257+6C>T (NM_001348355.2).
Identifiers: ClinVar variation 508144 (VCV000508144.2), dbSNP rs17160563, ClinGen allele CA9159381.
Genomic context (GRCh38, chr19:8,548,030, plus strand): 5'-TCCTCATGGTCCTTCCACCCCACCCCCACCCCAGGATCCCCCATCCCTGACTGCTTGGCC[G>A]CCCACCTGCTCGGCCTTCAGGGTAAGTTCGATAAAGATTTGCTGCAGCTTCTCATTGACG-3'

ClinVar aggregate classification (germline): Benign. Review status: criteria provided, multiple submitters, no conflicts (2 of 4 stars). 2 submissions from 2 submitters: Benign (2). Last evaluated 2017-05-09.

Allele frequency attached by ClinVar (database versions not stated): gnomAD exomes 0.05461 and 0.08544; ESP Exome Variant Server 0.07063; gnomAD 0.08427 and 0.08694; ExAC 0.08549; TOPMed 0.09120; 1000 Genomes Project 30x 0.12820; 1000 Genomes Project 0.12839.
gnomAD v4.1: 84,587 of 1,453,548 alleles (5.8%); highest among the groups gnomAD compares: East Asian, 18%; 4,468 homozygotes.

Submissions (2):

GeneDx
Classification: Benign. Last evaluated: 2017-05-09. Review status: criteria provided, single submitter. Criteria: GeneDx Variant Classification (06012015). Collection method: clinical testing. Allele origin: germline. Affected: yes.
Comment: This variant is considered likely benign or benign based on one or more of the following criteria: it is a conservative change, it occurs at a poorly conserved position in the protein, it is predicted to be benign by multiple in silico algorithms, and/or has population frequency not consistent with disease.

Breakthrough Genomics
Classification: Benign. Review status: criteria provided, single submitter. Criteria: ACMG Guidelines, 2015. Collection method: not provided. Allele origin: germline. Inheritance: Unknown mechanism. Affected: yes.